The following is an entry in ClinVar:

NM_001367873.1(SOX6):c.2153G>A (p.Arg718Lys)

Gene: SOX6 (SRY-box transcription factor 6; minus strand). Cytogenetic location: 11p15.2.
Variant type: single nucleotide variant.
Coding change: c.2153G>A on transcript NM_001367873.1 (MANE Select); coding-DNA position 2153, G replaced by A.
Protein change: p.Arg718Lys; replaces arginine 718 with lysine.
Molecular consequence: missense variant.
Genome position (GRCh38, 1-based): chr11:15,986,234, C>T on the plus strand (G>A on the coding strand, the complement: SOX6 is on the minus strand). VCF-style: chr11-15986234-C-T. GRCh37 (hg19) VCF-style: chr11-16007780-C-T.
Other names: c.2072G>A, p.Arg691Lys (NM_001145811.2, NM_017508.3); c.2153G>A, p.Arg718Lys (NM_001145819.2); c.2030G>A, p.Arg677Lys (NM_001367872.1); c.2093G>A, p.Arg698Lys (NM_033326.3); short protein forms R677K, R691K, R698K, R718K.
Identifiers: ClinVar variation 3321656 (VCV003321656.1).

ClinVar aggregate classification (germline): Uncertain significance (1 of 4 stars; one submission).

Conditions:
Inborn genetic diseases. Identifiers: MedGen C0950123, MeSH D030342.

Submission:

Ambry Genetics
Classification: Uncertain significance for Inborn genetic diseases. Last evaluated: 2024-05-21. Review status: criteria provided, single submitter. Criteria: Ambry Variant Classification Scheme 2023. Collection method: clinical testing. Allele origin: germline.
Comment: The c.2093G>A (p.R698K) alteration is located in exon 15 (coding exon 14) of the SOX6 gene. This alteration results from a G to A substitution at nucleotide position 2093, causing the arginine (R) at amino acid position 698 to be replaced by a lysine (K). This variant was not reported in population-based cohorts in the Genome Aggregation Database (gnomAD). This amino acid position is highly conserved in available vertebrate species. The in silico prediction for this alteration is inconclusive. Based on insufficient or conflicting evidence, the clinical significance of this alteration remains unclear.